The following is an entry in ClinVar:

ClinVar aggregate classification (germline): Uncertain significance. Review status: criteria provided, multiple submitters, no conflicts (2 of 4 stars). 3 submissions from 3 submitters: Uncertain significance (3). Last evaluated 2025-02-27.

Conditions:
RP1-related disorder. Also called: RP1-related condition.
Retinitis pigmentosa (RP). Identifiers: Orphanet 791, MedGen C0035334, MeSH D012174, MONDO:0019200, OMIM 268000. Inheritance: Autosomal dominant, autosomal recessive and X linked inheritance.

Allele frequency attached by ClinVar (database versions not stated): ExAC 0.00002; gnomAD 0.00002; gnomAD exomes 0.00002; TOPMed 0.00003.
gnomAD v4.1: 38 of 1,613,806 alleles (0.0024%); highest among the groups gnomAD compares: Admixed American, 0.0067%; no homozygotes.

Submissions (3):

PreventionGenetics, part of Exact Sciences
Classification: Uncertain significance for RP1-related condition. Last evaluated: 2025-02-27. Review status: criteria provided, single submitter. Criteria: ACMG Guidelines, 2015. Collection method: clinical testing. Allele origin: germline.
Comment: The RP1 c.6056G>A variant is predicted to result in the amino acid substitution p.Gly2019Asp. To our knowledge, this variant has not been reported in the literature. This variant is reported in 0.014% of alleles in individuals of Latino descent in gnomAD. At this time, the clinical significance of this variant is uncertain due to the absence of conclusive functional and genetic evidence.

Labcorp Genetics (formerly Invitae), Labcorp
Classification: Uncertain significance. Last evaluated: 2023-03-20. Review status: criteria provided, single submitter. Criteria: Invitae Variant Classification Sherloc (09022015). Collection method: clinical testing. Allele origin: germline.
Comment: This sequence change replaces glycine, which is neutral and non-polar, with aspartic acid, which is acidic and polar, at codon 2019 of the RP1 protein (p.Gly2019Asp). This variant is present in population databases (rs750005747, gnomAD 0.01%). This variant has not been reported in the literature in individuals affected with RP1-related conditions. ClinVar contains an entry for this variant (Variation ID: 363310). An algorithm developed to predict the effect of missense changes on protein structure and function (PolyPhen-2) suggests that this variant is likely to be tolerated. In summary, the available evidence is currently insufficient to determine the role of this variant in disease. Therefore, it has been classified as a Variant of Uncertain Significance.

Illumina Laboratory Services, Illumina
Classification: Uncertain significance for Retinitis pigmentosa. Last evaluated: 2018-01-12. Review status: criteria provided, single submitter. Criteria: ICSL Variant Classification Criteria 13 December 2019. Collection method: clinical testing. Allele origin: germline.

NM_006269.2(RP1):c.6056G>A (p.Gly2019Asp)

Genes: RP1 (RP1 axonemal microtubule associated; plus strand), LOC126860392 (CDK7 strongly-dependent group 2 enhancer GRCh37_chr8:55541319-55542518; plus strand). Cytogenetic location: 8q12.1.
Variant type: single nucleotide variant.
Coding change: c.6056G>A on transcript NM_006269.2 (MANE Select); coding-DNA position 6056, G replaced by A.
Protein change: p.Gly2019Asp; replaces glycine 2019 with aspartic acid.
Molecular consequence: missense variant.
Genome position (GRCh38, 1-based): chr8:54,629,938, G>A. VCF-style: chr8-54629938-G-A. GRCh37 (hg19) VCF-style: chr8-55542498-G-A.
Other names: short protein forms G2019D.
Identifiers: ClinVar variation 363310 (VCV000363310.9), dbSNP rs750005747, ClinGen allele CA4752170.